The following is an entry in ClinVar:

ClinVar aggregate classification (germline): Uncertain significance. Review status: criteria provided, multiple submitters, no conflicts (2 of 4 stars). 2 submissions from 2 submitters: Uncertain significance (2). Last evaluated 2024-06-18.

Conditions:
Sucrase-isomaltase deficiency (CSID). Also called: Deficiency of isomaltase; Congenital sucrose isomaltose malabsorption; Sucrose isomaltose enzyme deficiency; SI DEFICIENCY. Identifiers: Orphanet 35122, MedGen C1283620, MONDO:0009114, OMIM 222900.

Allele frequency attached by ClinVar (database versions not stated): TOPMed 0.00002; gnomAD 0.00003.
gnomAD v4.1: 15 of 1,611,692 alleles (0.00093%); highest among the groups gnomAD compares: Non-Finnish European, 0.0013%; no homozygotes.

Submissions (2):

Fulgent Genetics
Classification: Uncertain significance for Sucrase-isomaltase deficiency. Last evaluated: 2024-06-18. Review status: criteria provided, single submitter. Criteria: ACMG Guidelines, 2015. Collection method: clinical testing. Allele origin: germline.

Labcorp Genetics (formerly Invitae), Labcorp
Classification: Uncertain significance. Last evaluated: 2024-01-18. Review status: criteria provided, single submitter. Criteria: Invitae Variant Classification Sherloc (09022015). Collection method: clinical testing. Allele origin: germline.
Comment: This sequence change replaces threonine, which is neutral and polar, with isoleucine, which is neutral and non-polar, at codon 1326 of the SI protein (p.Thr1326Ile). This variant is present in population databases (no rsID available, gnomAD 0.003%). This variant has not been reported in the literature in individuals affected with SI-related conditions. Advanced modeling of protein sequence and biophysical properties (such as structural, functional, and spatial information, amino acid conservation, physicochemical variation, residue mobility, and thermodynamic stability) has been performed at Invitae for this missense variant, however the output from this modeling did not meet the statistical confidence thresholds required to predict the impact of this variant on SI protein function. In summary, the available evidence is currently insufficient to determine the role of this variant in disease. Therefore, it has been classified as a Variant of Uncertain Significance.

NM_001041.4(SI):c.3977C>T (p.Thr1326Ile)

Gene: SI (sucrase-isomaltase; minus strand). Cytogenetic location: 3q26.1.
Variant type: single nucleotide variant.
Coding change: c.3977C>T on transcript NM_001041.4 (MANE Select); coding-DNA position 3977, C replaced by T.
Protein change: p.Thr1326Ile; replaces threonine 1326 with isoleucine.
Molecular consequence: missense variant.
Genome position (GRCh38, 1-based): chr3:165,015,145, G>A on the plus strand (C>T on the coding strand, the complement: SI is on the minus strand). VCF-style: chr3-165015145-G-A. GRCh37 (hg19) VCF-style: chr3-164732933-G-A.
Other names: short protein forms T1326I.
Identifiers: ClinVar variation 2889518 (VCV002889518.3), dbSNP rs1334719838, ClinGen allele CA355035892.
Genomic context (GRCh38, chr3:165,015,145, plus strand): 5'-TTTTGTATTTATTCTATTTCAAGATATCGATTTAGTACCTTTGCCCAACAAATGTCATTG[G>A]TGTTTGGCCATTTGACAAAGACATCATTCTGCTGTCCTCTTTCAAATGCAGGGTAAGTCT-3'
Protein context (NP_001032.2, residues 1316-1336): QNDVFVKWPN[Thr1326Ile]NDICWAKVWP